The following is an entry in ClinVar:

ClinVar aggregate classification (germline): Likely benign (1 of 4 stars; one submission).

Allele frequency attached by ClinVar (database versions not stated): TOPMed 0.00002; ESP Exome Variant Server 0.00008.
gnomAD v4.1: 16 of 1,614,050 alleles (0.00099%); highest among the groups gnomAD compares: South Asian, 0.0055%; no homozygotes.

Submission:

CeGaT Center for Human Genetics Tuebingen
Classification: Likely benign. Last evaluated: 2022-03-01. Review status: criteria provided, single submitter. Criteria: CeGaT Center For Human Genetics Tuebingen Variant Classification Criteria Version 2. Collection method: clinical testing. Allele origin: germline. Affected: yes. Observed: 1 variant allele.
Comment: ACAD11: BP4, BP7

NM_032169.5(ACAD11):c.1929G>A (p.Ala643=)

Genes: ACAD11 (acyl-CoA dehydrogenase family member 11; minus strand), NPHP3-ACAD11 (NPHP3-ACAD11 readthrough (NMD candidate); minus strand). Cytogenetic location: 3q22.1.
Variant type: single nucleotide variant.
Coding change: c.1929G>A on transcript NM_032169.5 (MANE Select); coding-DNA position 1929, G replaced by A.
Protein change: p.Ala643=; no amino-acid change (alanine 643 retained).
Molecular consequence: synonymous variant. On other transcripts: non-coding transcript variant (3).
Genome position (GRCh38, 1-based): chr3:132,575,844, C>T on the plus strand (G>A on the coding strand, the complement: ACAD11 is on the minus strand). VCF-style: chr3-132575844-C-T. GRCh37 (hg19) VCF-style: chr3-132294688-C-T.
Identifiers: ClinVar variation 2654160 (VCV002654160.24), dbSNP rs370980622, ClinGen allele CA2620427.